The following is an entry in ClinVar:

NM_001267550.2(TTN):c.67058-16C>T

Genes: TTN (titin; minus strand), TTN-AS1 (TTN antisense RNA 1; plus strand). Cytogenetic location: 2q31.2.
Variant type: single nucleotide variant.
Coding change: c.67058-16C>T on transcript NM_001267550.2 (MANE Select); 16 bases into the intron before coding-DNA position 67058, C replaced by T.
Molecular consequence: intron variant.
Genome position (GRCh38, 1-based): chr2:178,580,245, G>A on the plus strand (C>T on the coding strand, the complement: TTN is on the minus strand). VCF-style: chr2-178580245-G-A. GRCh37 (hg19) VCF-style: chr2-179444972-G-A.
Other names: c.62135-16C>T (NM_001256850.1); c.39863-16C>T (NM_003319.4); c.40439-16C>T (NM_133437.4); c.40238-16C>T (NM_133432.3); c.59354-16C>T (NM_133378.4).
Identifiers: ClinVar variation 202279 (VCV000202279.11), dbSNP rs201800666, ClinGen allele CA308967.

ClinVar aggregate classification (germline): Benign. Review status: criteria provided, multiple submitters, no conflicts (2 of 4 stars). 3 submissions from 3 submitters: Benign (3). Last evaluated 2026-02-04.

Conditions:
Dilated cardiomyopathy 1G (CMD1G). Identifiers: Orphanet 154, MedGen C1858763, MONDO:0011400, OMIM 604145.
Autosomal recessive limb-girdle muscular dystrophy type 2J (LGMDR10). Also called: MUSCULAR DYSTROPHY, LIMB-GIRDLE, AUTOSOMAL RECESSIVE 10; Limb-girdle muscular dystrophy, type 2J. Identifiers: Orphanet 140922, MedGen C1837342, MONDO:0012127, OMIM 608807.

Allele frequency attached by ClinVar (database versions not stated): gnomAD 0.00031 and 0.00033; ExAC 0.00054; ESP Exome Variant Server 0.00076; TOPMed 0.00029.
gnomAD v4.1: 492 of 1,608,846 alleles (0.031%); highest among the groups gnomAD compares: Non-Finnish European, 0.0052%; 1 homozygote.

Submissions (3):

Labcorp Genetics (formerly Invitae), Labcorp
Classification: Benign for Dilated cardiomyopathy 1G; Autosomal recessive limb-girdle muscular dystrophy type 2J. Last evaluated: 2026-02-04. Review status: criteria provided, single submitter. Criteria: Invitae Variant Classification Sherloc (09022015). Collection method: clinical testing. Allele origin: germline.

Women's Health and Genetics/Laboratory Corporation of America, LabCorp
Classification: Benign. Last evaluated: 2024-03-03. Review status: criteria provided, single submitter. Criteria: LabCorp Variant Classification Summary - May 2015. Collection method: clinical testing. Allele origin: germline.

GeneDx
Classification: Benign. Last evaluated: 2014-09-29. Review status: criteria provided, single submitter. Criteria: GeneDx Variant Classification (06012015). Collection method: clinical testing. Allele origin: germline. Affected: yes.
Comment: This variant is considered likely benign or benign based on one or more of the following criteria: it is a conservative change, it occurs at a poorly conserved position in the protein, it is predicted to be benign by multiple in silico algorithms, and/or has population frequency not consistent with disease.